The following is an entry in ClinVar:

NM_015046.7(SETX):c.4136A>G (p.His1379Arg)

Gene: SETX (senataxin; minus strand). Cytogenetic location: 9q34.13.
Variant type: single nucleotide variant.
Coding change: c.4136A>G on transcript NM_015046.7 (MANE Select); coding-DNA position 4136, A replaced by G.
Protein change: p.His1379Arg; replaces histidine 1379 with arginine.
Molecular consequence: missense variant.
Genome position (GRCh38, 1-based): chr9:132,327,462, T>C on the plus strand (A>G on the coding strand, the complement: SETX is on the minus strand). VCF-style: chr9-132327462-T-C. GRCh37 (hg19) VCF-style: chr9-135202849-T-C.
Other names: c.4136A>G, p.His1379Arg (NM_001351527.2, NM_001351528.2); short protein forms H1379R.
Identifiers: ClinVar variation 1327821 (VCV001327821.8), dbSNP rs181158146, ClinGen allele CA5297264.
Genomic context (GRCh38, chr9:132,327,462, plus strand): 5'-GTACAATTATAATCTGACCTATCAGATTCTGGTACAAATATGTCAGAATTCTGTGCTGTA[T>C]GTGACCCTGCTCTTTTAACATCTGTACTTTCACAATCAGAAAGTCTTCGTCTATTTTTTT-3'
Protein context (NP_055861.3, residues 1369-1389): ESTDVKRAGS[His1379Arg]TAQNSDIFVP

ClinVar aggregate classification (germline): Conflicting classifications of pathogenicity. Review status: criteria provided, conflicting classifications (1 of 4 stars). 3 submissions from 3 submitters: Uncertain significance (2); Benign (1). Last evaluated 2024-07-27.

Conditions:
Spinocerebellar ataxia, autosomal recessive, with axonal neuropathy 2 (SCAN2). Also called: ATAXIA-OCULOMOTOR APRAXIA 2; Ataxia-ocular apraxia-2; Ataxia with Oculomotor Apraxia Type 2; Ataxia with Oculomotor Apraxia. Identifiers: Orphanet 64753, MedGen C1853761, MONDO:0018996, OMIM 606002.
Amyotrophic lateral sclerosis type 4 (ALS4). Also called: AMYOTROPHIC LATERAL SCLEROSIS 4, JUVENILE; NEURONOPATHY, DISTAL HEREDITARY MOTOR, WITH PYRAMIDAL FEATURES. Identifiers: Orphanet 357043, MedGen C1865409, MONDO:0011223, OMIM 602433.
Inborn genetic diseases. Identifiers: MedGen C0950123, MeSH D030342.

Allele frequency attached by ClinVar (database versions not stated): gnomAD 0.00001; TOPMed 0.00003; gnomAD exomes 0.00006; ExAC 0.00007; 1000 Genomes Project 30x 0.00016; 1000 Genomes Project 0.00020.
gnomAD v4.1: 17 of 1,614,184 alleles (0.0011%); highest among the groups gnomAD compares: Admixed American, 0.027%; no homozygotes.

Submissions (3):

Ambry Genetics
Classification: Uncertain significance for Inborn genetic diseases. Last evaluated: 2024-07-27. Review status: criteria provided, single submitter. Criteria: Ambry Variant Classification Scheme 2023. Collection method: clinical testing. Allele origin: germline.

Labcorp Genetics (formerly Invitae), Labcorp
Classification: Benign for Amyotrophic lateral sclerosis type 4; Spinocerebellar ataxia, autosomal recessive, with axonal neuropathy 2. Last evaluated: 2022-08-26. Review status: criteria provided, single submitter. Criteria: Invitae Variant Classification Sherloc (09022015). Collection method: clinical testing. Allele origin: germline.

GeneDx
Classification: Uncertain significance. Last evaluated: 2021-12-20. Review status: criteria provided, single submitter. Criteria: GeneDx Variant Classification Process June 2021. Collection method: clinical testing. Allele origin: germline. Affected: yes.
Comment: In silico analysis supports that this missense variant does not alter protein structure/function; Has not been previously published as pathogenic or benign to our knowledge